The following is an entry in ClinVar:

ClinVar aggregate classification (germline): Uncertain significance (1 of 4 stars; one submission).

Conditions:
Cardiovascular phenotype. Identifiers: MedGen CN230736.

Submission:

Ambry Genetics
Classification: Uncertain significance for Cardiovascular phenotype. Last evaluated: 2023-11-08. Review status: criteria provided, single submitter. Criteria: Ambry Variant Classification Scheme 2023. Collection method: clinical testing. Allele origin: germline.
Comment: The p.P1637H variant (also known as c.4910C>A), located in coding exon 12 of the TNXB gene, results from a C to A substitution at nucleotide position 4910. The proline at codon 1637 is replaced by histidine, an amino acid with similar properties. This amino acid position is conserved. In addition, this alteration is predicted to be tolerated by in silico analysis. Since supporting evidence is limited at this time, the clinical significance of this alteration remains unclear.

NM_001365276.2(TNXB):c.4910C>A (p.Pro1637His)

Gene: TNXB (tenascin XB; minus strand). Cytogenetic location: 6p21.33.
Variant type: single nucleotide variant.
Coding change: c.4910C>A on transcript NM_001365276.2 (MANE Select); coding-DNA position 4910, C replaced by A.
Protein change: p.Pro1637His; replaces proline 1637 with histidine.
Molecular consequence: missense variant.
Genome position (GRCh38, 1-based): chr6:32,072,070, G>T on the plus strand (C>A on the coding strand, the complement: TNXB is on the minus strand). VCF-style: chr6-32072070-G-T. GRCh37 (hg19) VCF-style: chr6-32039847-G-T.
Other names: c.5651C>A, p.Pro1884His (NM_001428335.1); c.4910C>A, p.Pro1637His (NM_019105.8); short protein forms P1637H, P1884H.
Identifiers: ClinVar variation 3227284 (VCV003227284.1), dbSNP rs2483603209, ClinGen allele CA363419543.